The following is an entry in ClinVar:

NM_031475.3(ESPN):c.1465-68G>T

Gene: ESPN (espin; plus strand). Cytogenetic location: 1p36.31.
Variant type: single nucleotide variant.
Coding change: c.1465-68G>T on transcript NM_031475.3 (MANE Select); 68 bases into the intron before coding-DNA position 1465, G replaced by T.
Molecular consequence: intron variant.
Genome position (GRCh38, 1-based): chr1:6,448,573, G>T. VCF-style: chr1-6448573-G-T. GRCh37 (hg19) VCF-style: chr1-6508633-G-T.
Other names: c.1465-68G>T (NM_001367474.1, NM_001367473.1).
Identifiers: ClinVar variation 682943 (VCV000682943.2), dbSNP rs112292564, ClinGen allele CA10798730.

ClinVar aggregate classification (germline): Benign. Review status: criteria provided, multiple submitters, no conflicts (2 of 4 stars). 2 submissions from 2 submitters: Benign (2). Last evaluated 2018-06-16.

Allele frequency attached by ClinVar (database versions not stated): gnomAD exomes 0.07286; gnomAD 0.20915; 1000 Genomes Project 0.23103; TOPMed 0.23321; 1000 Genomes Project 30x 0.24407.
gnomAD v4.1: 124,525 of 1,402,760 alleles (8.9%); highest among the groups gnomAD compares: African/African-American, 59%; 14,896 homozygotes.

Submissions (2):

GeneDx
Classification: Benign. Last evaluated: 2018-06-16. Review status: criteria provided, single submitter. Criteria: GeneDx Variant Classification (06012015). Collection method: clinical testing. Allele origin: germline. Affected: yes.
Comment: This variant is considered likely benign or benign based on one or more of the following criteria: it is a conservative change, it occurs at a poorly conserved position in the protein, it is predicted to be benign by multiple in silico algorithms, and/or has population frequency not consistent with disease.

Breakthrough Genomics
Classification: Benign. Review status: criteria provided, single submitter. Criteria: ACMG Guidelines, 2015. Collection method: not provided. Allele origin: germline. Inheritance: Autosomal recessive inheritance. Affected: yes.